The following is an entry in ClinVar:

ClinVar aggregate classification (germline): Uncertain significance (1 of 4 stars; one submission).

Conditions:
Cardiovascular phenotype. Identifiers: MedGen CN230736.

Allele frequency attached by ClinVar (database versions not stated): TOPMed 0.00002.
gnomAD v4.1: 7 of 1,613,178 alleles (0.00043%); highest among the groups gnomAD compares: Admixed American, 0.0017%; no homozygotes.

Submission:

Ambry Genetics
Classification: Uncertain significance for Cardiovascular phenotype. Last evaluated: 2025-04-23. Review status: criteria provided, single submitter. Criteria: Ambry Variant Classification Scheme 2023. Collection method: clinical testing. Allele origin: germline.
Comment: The p.R1448H variant (also known as c.4343G>A), located in coding exon 10 of the TNXB gene, results from a G to A substitution at nucleotide position 4343. The arginine at codon 1448 is replaced by histidine, an amino acid with highly similar properties. This amino acid position is conserved. In addition, this alteration is predicted to be tolerated by in silico analysis. Since supporting evidence is limited at this time, the clinical significance of this alteration remains unclear.

NM_001365276.2(TNXB):c.4343G>A (p.Arg1448His)

Gene: TNXB (tenascin XB; minus strand). Cytogenetic location: 6p21.33.
Variant type: single nucleotide variant.
Coding change: c.4343G>A on transcript NM_001365276.2 (MANE Select); coding-DNA position 4343, G replaced by A.
Protein change: p.Arg1448His; replaces arginine 1448 with histidine.
Molecular consequence: missense variant.
Genome position (GRCh38, 1-based): chr6:32,079,065, C>T on the plus strand (G>A on the coding strand, the complement: TNXB is on the minus strand). VCF-style: chr6-32079065-C-T. GRCh37 (hg19) VCF-style: chr6-32046842-C-T.
Other names: c.4343G>A, p.Arg1448His (NM_019105.8); short protein forms R1448H.
Identifiers: ClinVar variation 1739873 (VCV001739873.3), dbSNP rs760174312, ClinGen allele CA136893467.